The following is an entry in ClinVar:

NM_020975.6(RET):c.11C>T (p.Ala4Val)

Genes: RET (ret proto-oncogene; plus strand), LOC106736614 (RET 5' regulatory region; plus strand). Cytogenetic location: 10q11.21.
Variant type: single nucleotide variant.
Coding change: c.11C>T on transcript NM_020975.6 (MANE Select); coding-DNA position 11, C replaced by T.
Protein change: p.Ala4Val; replaces alanine 4 with valine.
Molecular consequence: missense variant.
Genome position (GRCh38, 1-based): chr10:43,077,269, C>T. VCF-style: chr10-43077269-C-T. GRCh37 (hg19) VCF-style: chr10-43572717-C-T.
Other names: c.11C>T, p.Ala4Val (NM_001406789.1, NM_001406790.1, NM_001406791.1 and 38 more transcripts); short protein forms A4V.
Identifiers: ClinVar variation 860225 (VCV000860225.13), dbSNP rs1837063876, ClinGen allele CA376768017.
Genomic context (GRCh38, chr10:43,077,269, plus strand): 5'-GCCGGCCCTAGCCGCAGTCCCTCCAGCCGTGGCCCCAGCGCGCACGGGCGATGGCGAAGG[C>T]GACGTCCGGTGCCGCGGGGCTGCGTCTGCTGTTGCTGCTGCTGCTGCCGCTGCTAGGCAA-3'
Protein context (NP_066124.1, residues 1-14): MAK[Ala4Val]TSGAAGLRLL

ClinVar aggregate classification (germline): Uncertain significance. Review status: criteria provided, multiple submitters, no conflicts (2 of 4 stars). 2 submissions from 2 submitters: Uncertain significance (2). Last evaluated 2024-11-30.

Conditions:
Hereditary cancer-predisposing syndrome. Also called: Tumor predisposition; Hereditary neoplastic syndrome; Neoplastic Syndromes, Hereditary; Hereditary Cancer Syndrome. Identifiers: Orphanet 140162, MedGen C0027672, MeSH D009386, MONDO:0015356.
Multiple endocrine neoplasia, type 2 (MEN2). Identifiers: Orphanet 653, MedGen C4048306, MONDO:0019003. Disease mechanism: gain of function.

Allele frequency attached by ClinVar (database versions not stated): gnomAD exomes below 0.00001.
gnomAD v4.1: 2 of 1,505,328 alleles (0.00013%); highest among the groups gnomAD compares: Non-Finnish European, 0.00018%; no homozygotes.

Submissions (2):

Labcorp Genetics (formerly Invitae), Labcorp
Classification: Uncertain significance for Multiple endocrine neoplasia, type 2. Last evaluated: 2024-11-30. Review status: criteria provided, single submitter. Criteria: Invitae Variant Classification Sherloc (09022015). Collection method: clinical testing. Allele origin: germline.
Comment: This sequence change replaces alanine, which is neutral and non-polar, with valine, which is neutral and non-polar, at codon 4 of the RET protein (p.Ala4Val). This variant is not present in population databases (gnomAD no frequency). This variant has not been reported in the literature in individuals affected with RET-related conditions. ClinVar contains an entry for this variant (Variation ID: 860225). An algorithm developed to predict the effect of missense changes on protein structure and function (PolyPhen-2) suggests that this variant is likely to be disruptive. In summary, the available evidence is currently insufficient to determine the role of this variant in disease. Therefore, it has been classified as a Variant of Uncertain Significance.

Ambry Genetics
Classification: Uncertain significance for Hereditary cancer-predisposing syndrome. Last evaluated: 2024-09-30. Review status: criteria provided, single submitter. Criteria: Ambry Variant Classification Scheme 2023. Collection method: clinical testing. Allele origin: germline.
Comment: The p.A4V variant (also known as c.11C>T), located in coding exon 1 of the RET gene, results from a C to T substitution at nucleotide position 11. The alanine at codon 4 is replaced by valine, an amino acid with similar properties. This amino acid position is conserved. In addition, the in silico prediction for this alteration is inconclusive. Based on the available evidence, the clinical significance of this variant remains unclear.